The following is an entry in ClinVar:

NM_004655.4(AXIN2):c.1073T>C (p.Leu358Pro)

Gene: AXIN2 (axin 2; minus strand). Cytogenetic location: 17q24.1.
Variant type: single nucleotide variant.
Coding change: c.1073T>C on transcript NM_004655.4 (MANE Select); coding-DNA position 1073, T replaced by C.
Protein change: p.Leu358Pro; replaces leucine 358 with proline.
Molecular consequence: missense variant.
Genome position (GRCh38, 1-based): chr17:65,538,330, A>G on the plus strand (T>C on the coding strand, the complement: AXIN2 is on the minus strand). VCF-style: chr17-65538330-A-G. GRCh37 (hg19) VCF-style: chr17-63534448-A-G.
Other names: c.1073T>C, p.Leu358Pro (NM_001363813.1); short protein forms L358P.
Identifiers: ClinVar variation 1463074 (VCV001463074.8), dbSNP rs2144478673, ClinGen allele CA400678595.

ClinVar aggregate classification (germline): Uncertain significance (1 of 4 stars; one submission).

Conditions:
Oligodontia-cancer predisposition syndrome. Also called: TOOTH AGENESIS-COLORECTAL CANCER SYNDROME. Identifiers: Orphanet 300576, MedGen C1837750, MONDO:0012075, OMIM 608615. Disease mechanism: loss of function.

Submission:

Labcorp Genetics (formerly Invitae), Labcorp
Classification: Uncertain significance for Oligodontia-cancer predisposition syndrome. Last evaluated: 2024-02-17. Review status: criteria provided, single submitter. Criteria: Invitae Variant Classification Sherloc (09022015). Collection method: clinical testing. Allele origin: germline.
Comment: This sequence change replaces leucine, which is neutral and non-polar, with proline, which is neutral and non-polar, at codon 358 of the AXIN2 protein (p.Leu358Pro). This variant is not present in population databases (gnomAD no frequency). This variant has not been reported in the literature in individuals affected with AXIN2-related conditions. ClinVar contains an entry for this variant (Variation ID: 1463074). Advanced modeling of protein sequence and biophysical properties (such as structural, functional, and spatial information, amino acid conservation, physicochemical variation, residue mobility, and thermodynamic stability) performed at Invitae indicates that this missense variant is not expected to disrupt AXIN2 protein function with a negative predictive value of 80%. In summary, the available evidence is currently insufficient to determine the role of this variant in disease. Therefore, it has been classified as a Variant of Uncertain Significance.